The following is an entry in ClinVar:

ClinVar aggregate classification (germline): Benign. Review status: criteria provided, multiple submitters, no conflicts (2 of 4 stars). 3 submissions from 3 submitters: Benign (3). Last evaluated 2018-01-13.

Conditions:
Lissencephaly 4 (LIS4). Also called: Lissencephaly 4 (with microcephaly). Identifiers: Orphanet 1083, MedGen C3151461, MONDO:0013527, OMIM 614019.

Allele frequency attached by ClinVar (database versions not stated): 1000 Genomes Project 0.74121; gnomAD 0.71668 and 0.71430; TOPMed 0.72087; gnomAD exomes 0.70548; 1000 Genomes Project 30x 0.74375.
gnomAD v4.1: 108,506 of 151,926 alleles (71%); highest among the groups gnomAD compares: African/African-American, 86%; 39,300 homozygotes.

Submissions (3):

Illumina Laboratory Services, Illumina
Classification: Benign for Lissencephaly 4. Last evaluated: 2018-01-13. Review status: criteria provided, single submitter. Criteria: ICSL Variant Classification Criteria 13 December 2019. Collection method: clinical testing. Allele origin: germline.
Comment: This variant was observed in the ICSL laboratory as part of a predisposition screen in an ostensibly healthy population. It had not been previously curated by ICSL or reported in the Human Gene Mutation Database (HGMD: prior to June 1st, 2018), and was therefore a candidate for classification through an automated scoring system. Utilizing variant allele frequency, disease prevalence and penetrance estimates, and inheritance mode, an automated score was calculated to assess if this variant is too frequent to cause the disease. Based on the score and internal cut-off values, a variant classified as benign is not then subjected to further curation. The score for this variant resulted in a classification of benign for this disease.

GeneDx
Classification: Benign. Last evaluated: 2013-11-06. Review status: criteria provided, single submitter. Criteria: GeneDx Variant Classification (06012015). Collection method: clinical testing. Allele origin: germline. Affected: yes.
Comment: This variant is considered likely benign or benign based on one or more of the following criteria: it is a conservative change, it occurs at a poorly conserved position in the protein, it is predicted to be benign by multiple in silico algorithms, and/or has population frequency not consistent with disease.

Breakthrough Genomics
Classification: Benign. Review status: criteria provided, single submitter. Criteria: ACMG Guidelines, 2015. Collection method: not provided. Allele origin: germline. Inheritance: Autosomal recessive inheritance. Affected: yes.

NM_001143979.2(NDE1):c.-94C>T

Gene: NDE1 (nudE neurodevelopment protein 1; plus strand). Cytogenetic location: 16p13.11.
Variant type: single nucleotide variant.
Coding change: c.-94C>T on transcript NM_001143979.2; 94 bases upstream of the start codon, C replaced by T.
Molecular consequence: 5 prime UTR variant.
Genome position (GRCh38, 1-based): chr16:15,649,419, C>T. VCF-style: chr16-15649419-C-T. GRCh37 (hg19) VCF-style: chr16-15743276-C-T.
Identifiers: ClinVar variation 138432 (VCV000138432.8), dbSNP rs11646913, ClinGen allele CA292415.